The following is an entry in ClinVar:

NM_000256.3(MYBPC3):c.905G>A (p.Arg302Lys)

Gene: MYBPC3 (myosin binding protein C3; minus strand). Cytogenetic location: 11p11.2.
Variant type: single nucleotide variant.
Coding change: c.905G>A on transcript NM_000256.3 (MANE Select); coding-DNA position 905, G replaced by A.
Protein change: p.Arg302Lys; replaces arginine 302 with lysine.
Molecular consequence: missense variant.
Genome position (GRCh38, 1-based): chr11:47,347,426, C>T on the plus strand (G>A on the coding strand, the complement: MYBPC3 is on the minus strand). VCF-style: chr11-47347426-C-T. GRCh37 (hg19) VCF-style: chr11-47368977-C-T.
Other names: short protein forms R302K.
Identifiers: ClinVar variation 943353 (VCV000943353.14), dbSNP rs1414396886, ClinGen allele CA380333180.
Genomic context (GRCh38, chr11:47,347,426, plus strand): 5'-GTGCTGGGATTTGGAGCCAGGCCTCACCAGCTGCCCCAGGAACTGCCACCCAGGACTCAC[C>T]TCTTTTTCAGCAGTGAGCTGAAGTCCAGAATCCCAGTGTCCTCATGGCTATCACTATGGA-3'
Protein context (NP_000247.2, residues 292-312): ILDFSSLLKK[Arg302Lys]DSFRTPRDSK

ClinVar aggregate classification (germline): Conflicting classifications of pathogenicity. Review status: criteria provided, conflicting classifications (1 of 4 stars). 5 submissions from 5 submitters: Likely pathogenic (1); Uncertain significance (4). Last evaluated 2026-09-09.

Conditions:
Hypertrophic cardiomyopathy. Also called: HYPERTROPHIC MYOCARDIOPATHY. Identifiers: Orphanet 217569, MedGen C0007194, MeSH D002312, MONDO:0005045, HP:0001639.
Cardiomyopathy (CMYO). Also called: Cardiomyopathies. Identifiers: Orphanet 167848, MedGen C0878544, MONDO:0004994, HP:0001638. Inheritance: Various modes of inheritance.
Cardiovascular phenotype. Identifiers: MedGen CN230736.

Allele frequency attached by ClinVar (database versions not stated): TOPMed 0.00001; gnomAD 0.00001; gnomAD exomes below 0.00001.
gnomAD v4.1: 6 of 1,584,390 alleles (0.00038%); highest among the groups gnomAD compares: Admixed American, 0.0018%; no homozygotes.

Submissions (5):

Ambry Genetics
Classification: Uncertain significance for Cardiovascular phenotype. Last evaluated: 2026-09-09. Review status: criteria provided, single submitter. Criteria: Ambry Variant Classification Scheme 2023. Collection method: clinical testing. Allele origin: germline.
Comment: The c.905G>A variant (also known as p.R302K), located in coding exon 9 of the MYBPC3 gene, results from a G to A substitution at nucleotide position 905. The amino acid change results in arginine to lysine at codon 302, an amino acid with highly similar properties. However, this change occurs in the last base pair of coding exon 9, which makes it likely to have some effect on normal mRNA splicing. This nucleotide position is highly conserved in available vertebrate species. This amino acid position is highly conserved in available vertebrate species. In silico splice site analysis predicts that this alteration may weaken the native splice donor site. In addition, as a missense substitution this is predicted to be inconclusive by in silico analysis. Based on the available evidence, the clinical significance of this variant remains unclear.

Labcorp Genetics (formerly Invitae), Labcorp
Classification: Uncertain significance for Hypertrophic cardiomyopathy. Last evaluated: 2026-01-04. Review status: criteria provided, single submitter. Criteria: Invitae Variant Classification Sherloc (09022015). Collection method: clinical testing. Allele origin: germline.
Comment: This sequence change replaces arginine, which is basic and polar, with lysine, which is basic and polar, at codon 302 of the MYBPC3 protein (p.Arg302Lys). This variant also falls at the last nucleotide of exon 9, which is part of the consensus splice site for this exon. This variant is not present in population databases (gnomAD no frequency). This variant has not been reported in the literature in individuals affected with MYBPC3-related conditions. ClinVar contains an entry for this variant (Variation ID: 943353). An algorithm developed to predict the effect of missense changes on protein structure and function (PolyPhen-2) suggests that this variant is likely to be tolerated. Variants that disrupt the consensus splice site are a relatively common cause of aberrant splicing (PMID: 17576681, 9536098). Algorithms developed to predict the effect of sequence changes on RNA splicing suggest that this variant may disrupt the consensus splice site. In summary, the available evidence is currently insufficient to determine the role of this variant in disease. Therefore, it has been classified as a Variant of Uncertain Significance.

All of Us Research Program, National Institutes of Health
Classification: Uncertain significance for Hypertrophic cardiomyopathy. Last evaluated: 2024-06-09. Review status: criteria provided, single submitter. Criteria: ACMG Guidelines, 2015. Collection method: clinical testing. Allele origin: germline. Inheritance: Autosomal dominant inheritance. Observed: 6 variant alleles, 6 heterozygotes.
Comment: This missense variant replaces arginine with lysine at codon 302 of the MYBPC3 protein. Computational prediction suggests that this variant may not impact protein structure and function (internally defined REVEL score threshold <= 0.5, PMID: 27666373). However, this variant causes a G>A nucleotide substitution at the last nucleotide of exon 9 of the MYBPC3 gene, and splice site prediction tools suggest that this variant may impact RNA splicing. To our knowledge, functional studies have not been reported for this variant. This variant has not been reported in individuals affected with MYBPC3-related disorders in the literature. This variant has not been identified in the general population by the Genome Aggregation Database (gnomAD). The available evidence is insufficient to determine the role of this variant in disease conclusively. Therefore, this variant is classified as a Variant of Uncertain Significance.

This study involves interpretation of variants in research participants for the purpose of population health screening. Participant phenotype was not available at the time of variant classification. Additional details can be found in publication PMID: 35346344, PMCID: PMC8962531

Color Diagnostics, LLC DBA Color Health
Classification: Uncertain significance for Cardiomyopathy. Last evaluated: 2024-05-14. Review status: criteria provided, single submitter. Criteria: ACMG Guidelines, 2015. Collection method: clinical testing. Allele origin: germline.
Comment: This missense variant replaces arginine with lysine at codon 302 of the MYBPC3 protein. Computational prediction tools indicate that this variant has a neutral impact on protein structure and function. However, this variant causes a G>A nucleotide substitution at the last nucleotide of exon 9 of the MYBPC3 gene, and splice site prediction tools suggest that this variant may impact RNA splicing. To our knowledge, functional studies have not been reported for this variant. This variant has been reported in one individual suspected to be affected with inherited cardiovascular disease (PMID: 38691546). This variant has not been identified in the general population by the Genome Aggregation Database (gnomAD). The available evidence is insufficient to determine the role of this variant in disease conclusively. Therefore, this variant is classified as a Variant of Uncertain Significance.

Molecular Diagnostic Laboratory for Inherited Cardiovascular Disease, Montreal Heart Institute
Classification: Likely pathogenic for Cardiovascular phenotype. Last evaluated: 2020-08-06. Review status: criteria provided, single submitter. Criteria: ACMG Guidelines, 2015. Collection method: clinical testing. Allele origin: germline. Affected: yes.

Literature cited by the submitters: PubMed 17576681 (cited by Labcorp Genetics (formerly Invitae), Labcorp); PubMed 9536098 (cited by Labcorp Genetics (formerly Invitae), Labcorp); PubMed 38691546 (cited by Color Diagnostics, LLC DBA Color Health).